The following is an entry in ClinVar:

ClinVar aggregate classification (germline): Uncertain significance (1 of 4 stars; one submission).

Allele frequency attached by ClinVar (database versions not stated): ExAC 0.00001; TOPMed 0.00001; gnomAD exomes 0.00002; gnomAD 0.00003.
gnomAD v4.1: 24 of 1,209,955 alleles (0.002%); highest among the groups gnomAD compares: Non-Finnish European, 0.0025%; no homozygotes.

Submission:

Greenwood Genetic Center Diagnostic Laboratories, Greenwood Genetic Center
Classification: Uncertain significance. Last evaluated: 2023-05-12. Review status: criteria provided, single submitter. Criteria: ACMG Guidelines, 2015. Collection method: clinical testing. Allele origin: germline. Affected: yes.
Comment: PM2

NM_001081550.2(THOC2):c.28G>T (p.Ala10Ser)

Genes: THOC2 (THO complex subunit 2; minus strand), LOC130068628 (ATAC-STARR-seq lymphoblastoid active region 29909; plus strand). Cytogenetic location: Xq25.
Variant type: single nucleotide variant.
Coding change: c.28G>T on transcript NM_001081550.2 (MANE Select); coding-DNA position 28, G replaced by T.
Protein change: p.Ala10Ser; replaces alanine 10 with serine.
Molecular consequence: missense variant.
Genome position (GRCh38, 1-based): chrX:123,732,995, C>A on the plus strand (G>T on the coding strand, the complement: THOC2 is on the minus strand). VCF-style: chrX-123732995-C-A. GRCh37 (hg19) VCF-style: chrX-122866845-C-A.
Other names: short protein forms A10S.
Identifiers: ClinVar variation 2572214 (VCV002572214.1), dbSNP rs749306114, ClinGen allele CA10507967.